The following is an entry in ClinVar:

NM_001354604.2(MITF):c.1198C>G (p.Arg400Gly)

Gene: MITF (melanocyte inducing transcription factor; plus strand). Cytogenetic location: 3p13.
Variant type: single nucleotide variant.
Coding change: c.1198C>G on transcript NM_001354604.2 (MANE Select); coding-DNA position 1198, C replaced by G.
Protein change: p.Arg400Gly; replaces arginine 400 with glycine.
Molecular consequence: missense variant.
Genome position (GRCh38, 1-based): chr3:69,964,865, C>G. VCF-style: chr3-69964865-C-G. GRCh37 (hg19) VCF-style: chr3-70014016-C-G.
Other names: c.877C>G, p.Arg293Gly (NM_000248.4); c.1024C>G, p.Arg342Gly (NM_001184967.2, NM_001354608.2); c.1195C>G, p.Arg399Gly (NM_001354605.2); c.1177C>G, p.Arg393Gly (NM_001354606.2, NM_006722.3); c.1129C>G, p.Arg377Gly (NM_001354607.2); c.859C>G, p.Arg287Gly (NM_198158.3); c.1180C>G, p.Arg394Gly (NM_198159.3); c.1132C>G, p.Arg378Gly (NM_198177.3); and 1 more; short protein forms R231G, R287G, R293G, R342G, R377G, R378G, R393G, R394G.
Identifiers: ClinVar variation 1313132 (VCV001313132.6), dbSNP rs1464157509, ClinGen allele CA353559345.

ClinVar aggregate classification (germline): Uncertain significance. Review status: criteria provided, multiple submitters, no conflicts (2 of 4 stars). 3 submissions from 3 submitters: Uncertain significance (3). Last evaluated 2025-11-20.

Conditions:
Hereditary cancer-predisposing syndrome. Also called: Hereditary neoplastic syndrome; Neoplastic Syndromes, Hereditary; Tumor predisposition; Hereditary Cancer Syndrome. Identifiers: Orphanet 140162, MedGen C0027672, MeSH D009386, MONDO:0015356.
Waardenburg syndrome type 2A (WS2A). Also called: WAARDENBURG SYNDROME WITHOUT DYSTOPIA CANTHORUM. Identifiers: Orphanet 3440, MedGen C1860339, MONDO:0008671, OMIM 193510.
Melanoma, cutaneous malignant, susceptibility to, 8. Also called: MELANOMA AND RENAL CELL CARCINOMA, SUSCEPTIBILITY TO; Cutaneous malignant melanoma 8. Identifiers: Orphanet 293822, MedGen C3152204, MONDO:0013759, OMIM 614456.
Tietz syndrome (TADS). Also called: ALBINISM-DEAFNESS OF TIETZ; TIETZ ALBINISM-DEAFNESS SYNDROME; HYPOPIGMENTATION/DEAFNESS OF TIETZ. Identifiers: Orphanet 42665, MedGen C0391816, MONDO:0007077, OMIM 103500.

Allele frequency attached by ClinVar (database versions not stated): TOPMed below 0.00001.

Submissions (3):

Labcorp Genetics (formerly Invitae), Labcorp
Classification: Uncertain significance for Melanoma, cutaneous malignant, susceptibility to, 8; Waardenburg syndrome type 2A; Tietz syndrome. Last evaluated: 2025-11-20. Review status: criteria provided, single submitter. Criteria: Invitae Variant Classification Sherloc (09022015). Collection method: clinical testing. Allele origin: germline.
Comment: This sequence change replaces arginine, which is basic and polar, with glycine, which is neutral and non-polar, at codon 293 of the MITF protein (p.Arg293Gly). This variant is not present in population databases (gnomAD no frequency). This variant has not been reported in the literature in individuals affected with MITF-related conditions. ClinVar contains an entry for this variant (Variation ID: 1313132). Invitae Evidence Modeling of protein sequence and biophysical properties (such as structural, functional, and spatial information, amino acid conservation, physicochemical variation, residue mobility, and thermodynamic stability) indicates that this missense variant is not expected to disrupt MITF protein function with a negative predictive value of 80%. In summary, the available evidence is currently insufficient to determine the role of this variant in disease. Therefore, it has been classified as a Variant of Uncertain Significance.

Ambry Genetics
Classification: Uncertain significance for Hereditary cancer-predisposing syndrome. Last evaluated: 2025-02-20. Review status: criteria provided, single submitter. Criteria: Ambry Variant Classification Scheme 2023. Collection method: clinical testing. Allele origin: germline.
Comment: The p.R293G variant (also known as c.877C>G), located in coding exon 9 of the MITF gene, results from a C to G substitution at nucleotide position 877. The arginine at codon 293 is replaced by glycine, an amino acid with dissimilar properties. This amino acid position is conserved. In addition, this alteration is predicted to be deleterious by in silico analysis. Based on the available evidence, the clinical significance of this variant remains unclear.

GeneDx
Classification: Uncertain significance. Last evaluated: 2020-07-28. Review status: criteria provided, single submitter. Criteria: GeneDx Variant Classification Process June 2021. Collection method: clinical testing. Allele origin: germline. Affected: yes.
Comment: Not observed in large population cohorts (Lek et al., 2016); In silico analysis supports that this missense variant has a deleterious effect on protein structure/function; Has not been previously published as pathogenic or benign to our knowledge